The following is an entry in ClinVar:

ClinVar aggregate classification (germline): Uncertain significance (1 of 4 stars; one submission).

Conditions:
Wilms tumor 1 (WT1). Also called: Wilms tumor, somatic. Identifiers: Orphanet 654, MedGen CN033288, MONDO:0008679, OMIM 194070.

Submission:

Labcorp Genetics (formerly Invitae), Labcorp
Classification: Uncertain significance for Wilms tumor 1. Last evaluated: 2022-09-01. Review status: criteria provided, single submitter. Criteria: Invitae Variant Classification Sherloc (09022015). Collection method: clinical testing. Allele origin: germline.
Comment: In summary, the available evidence is currently insufficient to determine the role of this variant in disease. Therefore, it has been classified as a Variant of Uncertain Significance. Algorithms developed to predict the effect of missense changes on protein structure and function (SIFT, PolyPhen-2, Align-GVGD) all suggest that this variant is likely to be disruptive. ClinVar contains an entry for this variant (Variation ID: 1041368). This variant has not been reported in the literature in individuals affected with GPC3-related conditions. This variant is not present in population databases (gnomAD no frequency). This sequence change replaces cysteine, which is neutral and slightly polar, with tyrosine, which is neutral and polar, at codon 278 of the GPC3 protein (p.Cys278Tyr).

NM_004484.4(GPC3):c.833G>A (p.Cys278Tyr)

Gene: GPC3 (glypican 3; minus strand). Cytogenetic location: Xq26.2.
Variant type: single nucleotide variant.
Coding change: c.833G>A on transcript NM_004484.4 (MANE Select); coding-DNA position 833, G replaced by A.
Protein change: p.Cys278Tyr; replaces cysteine 278 with tyrosine.
Molecular consequence: missense variant.
Genome position (GRCh38, 1-based): chrX:133,753,681, C>T on the plus strand (G>A on the coding strand, the complement: GPC3 is on the minus strand). VCF-style: chrX-133753681-C-T. GRCh37 (hg19) VCF-style: chrX-132887708-C-T.
Other names: c.833G>A, p.Cys278Tyr (NM_001164617.2); c.785G>A, p.Cys262Tyr (NM_001164618.2); c.671G>A, p.Cys224Tyr (NM_001164619.2); short protein forms C262Y, C224Y, C278Y.
Identifiers: ClinVar variation 1041368 (VCV001041368.9), dbSNP rs2071692820, ClinGen allele CA414705631.